The following is an entry in ClinVar:

ClinVar aggregate classification (germline): Likely benign (1 of 4 stars; one submission).

Allele frequency attached by ClinVar (database versions not stated): ExAC 0.00001; gnomAD 0.00001.
gnomAD v4.1: 1 of 1,613,246 alleles (0.000062%); highest among the groups gnomAD compares: Non-Finnish European, 0.000085%; no homozygotes.

Submission:

CeGaT Center for Human Genetics Tuebingen
Classification: Likely benign. Last evaluated: 2022-11-01. Review status: criteria provided, single submitter. Criteria: CeGaT Center For Human Genetics Tuebingen Variant Classification Criteria Version 2. Collection method: clinical testing. Allele origin: germline. Affected: yes. Observed: 1 variant allele.
Comment: KCNT1: BP4, BP7

NM_020822.3(KCNT1):c.2742C>T (p.Ser914=)

Gene: KCNT1 (potassium sodium-activated channel subfamily T member 1; plus strand). Cytogenetic location: 9q34.3.
Variant type: single nucleotide variant.
Coding change: c.2742C>T on transcript NM_020822.3 (MANE Select); coding-DNA position 2742, C replaced by T.
Protein change: p.Ser914=; no amino-acid change (serine 914 retained).
Molecular consequence: synonymous variant.
Genome position (GRCh38, 1-based): chr9:135,779,371, C>T. VCF-style: chr9-135779371-C-T. GRCh37 (hg19) VCF-style: chr9-138671217-C-T.
Other names: c.2607C>T, p.Ser869= (NM_001272003.2).
Identifiers: ClinVar variation 2659719 (VCV002659719.24), dbSNP rs770289140, ClinGen allele CA5327447.